The following is an entry in ClinVar:

NM_006017.3(PROM1):c.1000C>T (p.Gln334Ter)

Gene: PROM1 (prominin 1; minus strand). Cytogenetic location: 4p15.32.
Variant type: single nucleotide variant.
Coding change: c.1000C>T on transcript NM_006017.3 (MANE Select); coding-DNA position 1000, C replaced by T.
Protein change: p.Gln334Ter; replaces glutamine 334 with a stop codon.
Molecular consequence: nonsense.
Genome position (GRCh38, 1-based): chr4:16,018,325, G>A on the plus strand (C>T on the coding strand, the complement: PROM1 is on the minus strand). VCF-style: chr4-16018325-G-A. GRCh37 (hg19) VCF-style: chr4-16019948-G-A.
Other names: c.973C>T, p.Gln325Ter (NM_001371406.1, NM_001371407.1, NM_001371408.1 and 4 more transcripts); c.1000C>T, p.Gln334Ter (NM_001145849.2, NM_001145850.2); short protein forms Q334*, Q325*.
Identifiers: ClinVar variation 2119707 (VCV002119707.4), dbSNP rs2530419555, ClinGen allele CA356418788.

ClinVar aggregate classification (germline): Pathogenic (1 of 4 stars; one submission).

Submission:

Labcorp Genetics (formerly Invitae), Labcorp
Classification: Pathogenic. Last evaluated: 2022-07-05. Review status: criteria provided, single submitter. Criteria: Invitae Variant Classification Sherloc (09022015). Collection method: clinical testing. Allele origin: germline.
Comment: For these reasons, this variant has been classified as Pathogenic. Algorithms developed to predict the effect of sequence changes on RNA splicing suggest that this variant may disrupt the consensus splice site. This variant has not been reported in the literature in individuals affected with PROM1-related conditions. This variant is not present in population databases (gnomAD no frequency). This sequence change creates a premature translational stop signal (p.Gln334*) in the PROM1 gene. It is expected to result in an absent or disrupted protein product. Loss-of-function variants in PROM1 are known to be pathogenic (PMID: 17605048, 19718270, 24154662, 25474345).

Literature cited by the submitters: PubMed 17605048; PubMed 19718270; PubMed 24154662; PubMed 25474345.